The following is an entry in ClinVar:

NM_000136.3(FANCC):c.1461C>G (p.Ile487Met)

Genes: FANCC (FA complementation group C; minus strand), AOPEP (aminopeptidase O (putative); plus strand). Cytogenetic location: 9q22.32.
Variant type: single nucleotide variant.
Coding change: c.1461C>G on transcript NM_000136.3 (MANE Select); coding-DNA position 1461, C replaced by G.
Protein change: p.Ile487Met; replaces isoleucine 487 with methionine.
Molecular consequence: missense variant.
Genome position (GRCh38, 1-based): chr9:95,107,138, G>C on the plus strand (C>G on the coding strand, the complement: FANCC is on the minus strand). VCF-style: chr9-95107138-G-C. GRCh37 (hg19) VCF-style: chr9-97869420-G-C.
Other names: c.1461C>G, p.Ile487Met (NM_001243743.2); short protein forms I487M.
Identifiers: ClinVar variation 1370031 (VCV001370031.5), dbSNP rs2134455188, ClinGen allele CA374105800.

ClinVar aggregate classification (germline): Uncertain significance. Review status: criteria provided, multiple submitters, no conflicts (2 of 4 stars). 2 submissions from 2 submitters: Uncertain significance (2). Last evaluated 2022-07-19.

Conditions:
Hereditary cancer-predisposing syndrome. Also called: Neoplastic Syndromes, Hereditary; Tumor predisposition; Hereditary neoplastic syndrome; Hereditary Cancer Syndrome. Identifiers: Orphanet 140162, MedGen C0027672, MeSH D009386, MONDO:0015356.
Fanconi anemia (FA). Also called: Fanconi's anemia. Identifiers: Orphanet 84, MedGen C0015625, MeSH D005199, MONDO:0019391.

Submissions (2):

Ambry Genetics
Classification: Uncertain significance for Hereditary cancer-predisposing syndrome. Last evaluated: 2022-07-19. Review status: criteria provided, single submitter. Criteria: Ambry Variant Classification Scheme 2023. Collection method: clinical testing. Allele origin: germline.
Comment: The p.I487M variant (also known as c.1461C>G), located in coding exon 13 of the FANCC gene, results from a C to G substitution at nucleotide position 1461. The isoleucine at codon 487 is replaced by methionine, an amino acid with highly similar properties. This amino acid position is poorly conserved in available vertebrate species. In addition, this alteration is predicted to be tolerated by in silico analysis. Since supporting evidence is limited at this time, the clinical significance of this alteration remains unclear.

Labcorp Genetics (formerly Invitae), Labcorp
Classification: Uncertain significance for Fanconi anemia. Last evaluated: 2021-11-23. Review status: criteria provided, single submitter. Criteria: Invitae Variant Classification Sherloc (09022015). Collection method: clinical testing. Allele origin: germline.
Comment: This sequence change replaces isoleucine, which is neutral and non-polar, with methionine, which is neutral and non-polar, at codon 487 of the FANCC protein (p.Ile487Met). This variant is not present in population databases (gnomAD no frequency). This variant has not been reported in the literature in individuals affected with FANCC-related conditions. Algorithms developed to predict the effect of missense changes on protein structure and function are either unavailable or do not agree on the potential impact of this missense change (SIFT: "Deleterious"; PolyPhen-2: "Possibly Damaging"; Align-GVGD: "Class C0"). In summary, the available evidence is currently insufficient to determine the role of this variant in disease. Therefore, it has been classified as a Variant of Uncertain Significance.